The following is an entry in ClinVar:

NM_000593.6(TAP1):c.1414G>A (p.Val472Met)

Gene: TAP1 (transporter 1, ATP binding cassette subfamily B member; minus strand). Cytogenetic location: 6p21.32.
Variant type: single nucleotide variant.
Coding change: c.1414G>A on transcript NM_000593.6 (MANE Select); coding-DNA position 1414, G replaced by A.
Protein change: p.Val472Met; replaces valine 472 with methionine.
Molecular consequence: missense variant.
Genome position (GRCh38, 1-based): chr6:32,848,804, C>T on the plus strand (G>A on the coding strand, the complement: TAP1 is on the minus strand). VCF-style: chr6-32848804-C-T. GRCh37 (hg19) VCF-style: chr6-32816581-C-T.
Other names: c.811G>A, p.Val271Met (NM_001292022.2); short protein forms V472M, V271M.
Identifiers: ClinVar variation 2009718 (VCV002009718.4), dbSNP rs2483151795, ClinGen allele CA363592025.

ClinVar aggregate classification (germline): Uncertain significance (1 of 4 stars; one submission).

Conditions:
MHC class I deficiency. Identifiers: Orphanet 34592, MedGen C6024714, MONDO:0011476.

Submission:

Labcorp Genetics (formerly Invitae), Labcorp
Classification: Uncertain significance for MHC class I deficiency 1. Last evaluated: 2022-06-23. Review status: criteria provided, single submitter. Criteria: Invitae Variant Classification Sherloc (09022015). Collection method: clinical testing. Allele origin: germline.
Comment: In summary, the available evidence is currently insufficient to determine the role of this variant in disease. Therefore, it has been classified as a Variant of Uncertain Significance. Algorithms developed to predict the effect of missense changes on protein structure and function output the following: SIFT: "Deleterious"; PolyPhen-2: "Benign"; Align-GVGD: "Class C0". The methionine amino acid residue is found in multiple mammalian species, which suggests that this missense change does not adversely affect protein function. This variant has not been reported in the literature in individuals affected with TAP1-related conditions. This variant is not present in population databases (gnomAD no frequency). This sequence change replaces valine, which is neutral and non-polar, with methionine, which is neutral and non-polar, at codon 532 of the TAP1 protein (p.Val532Met).